The following continues an entry in ClinVar:

NM_000492.4(CFTR):c.2900T>C (p.Leu967Ser)

Gene: CFTR. ClinVar aggregate classification (germline): Conflicting classifications of pathogenicity. Pathogenic (1); Likely pathogenic (4); Uncertain significance (19).

Submissions 17 to 30 of 30:

Institute for Clinical Genetics, University Hospital TU Dresden, University Hospital TU Dresden
Classification: Uncertain significance. Last evaluated: 2021-11-03. Review status: criteria provided, single submitter. Criteria: ACMG Guidelines, 2015. Collection method: clinical testing. Allele origin: germline.

Johns Hopkins Genomics, Johns Hopkins University
Classification: Likely pathogenic for Cystic fibrosis. Last evaluated: 2021-08-24. Review status: criteria provided, single submitter. Criteria: ACMG Guidelines, 2015. Collection method: clinical testing. Allele origin: germline.
Comment: CFTR variant associated with varying clinical consequence. See CFTR2 for phenotype information.

North West Genomic Laboratory Hub, Manchester University NHS Foundation Trust
Classification: Likely pathogenic for Cystic fibrosis. Last evaluated: 2020-07-31. Review status: criteria provided, single submitter. Criteria: ACMG Guidelines, 2015. Collection method: clinical testing. Allele origin: germline. Affected: yes.
Comment: Criteria Codes: PM3_VStr PM2

Genome Diagnostics Laboratory, The Hospital for Sick Children
Classification: Uncertain significance for Cystic fibrosis. Last evaluated: 2019-07-29. Review status: criteria provided, single submitter. Criteria: ACMG Guidelines, 2015. Collection method: clinical testing. Allele origin: germline.

Mendelics
Classification: Likely pathogenic for Cystic fibrosis. Last evaluated: 2018-11-05. Review status: criteria provided, single submitter. Criteria: Mendelics Assertion Criteria 2017. Collection method: clinical testing. Allele origin: unknown. Affected: yes.

Eurofins Ntd Llc (ga)
Classification: Uncertain significance. Last evaluated: 2018-08-23. Review status: criteria provided, single submitter. Criteria: EGL ClinVar v180209 classification definitions. Collection method: clinical testing. Allele origin: germline. Observed: 10 variant alleles, 9 heterozygotes, 1 homozygote.

GeneDx
Classification: Uncertain significance. Last evaluated: 2017-06-14. Review status: criteria provided, single submitter. Criteria: GeneDx Variant Classification (06012015). Collection method: clinical testing. Allele origin: germline. Affected: yes.
Comment: The L967S variant in the CFTR gene has been reported previously in association with pancreatitis, rhinosinusitis, and nonclassic cystic fibrosis, in affected individuals who were either heterozygous for the L967S variant and no second CFTR variant, or who were heterozygous for the L967S variant and a second CFTR variant (Wang et al., 2000; Groman et al., 2002; Bishop et al., 2005; LaRusch et al., 2014). The L967S variant was not observed at any significant frequency in approximately 6,500 individuals of European and African American ancestry in the NHLBI Exome Sequencing Project, indicating it is not a common benign variant in these populations. The L967S variant is a non-conservative amino acid substitution, which is likely to impact secondary protein structure as these residues differ in polarity, charge, size and/or other properties. This substitution occurs at a position that is conserved in mammals. Functional studies show L967S has normal chloride, but selectively alters the bicarbonate permeation of the CFTR channel (LaRusch et al., 2014). We interpret L967S as a variant of uncertain significance.

Illumina Laboratory Services, Illumina
Classification: Uncertain significance for CFTR-Related Disorders. Last evaluated: 2017-04-27. Review status: criteria provided, single submitter. Criteria: ICSL Variant Classification Criteria 13 December 2019. Collection method: clinical testing. Allele origin: germline.

Genome Diagnostics Laboratory, The Hospital for Sick Children
Classification: Uncertain significance for CFTR-related disorders. Last evaluated: 2019-07-29. Review status: no assertion criteria provided. Collection method: clinical testing. Allele origin: germline. Not counted in ClinVar's aggregate classification.

Counsyl
Classification: Uncertain significance for Cystic fibrosis. Last evaluated: 2017-12-14. Review status: no assertion criteria provided. Collection method: clinical testing. Allele origin: unknown. Not counted in ClinVar's aggregate classification.

Clinical Genetics DNA and cytogenetics Diagnostics Lab, Erasmus MC, Erasmus Medical Center
Classification: Uncertain significance. Review status: no assertion criteria provided. Collection method: clinical testing. Allele origin: germline. Affected: yes. Study: VKGL Data-share Consensus. Not counted in ClinVar's aggregate classification.

Diagnostic Laboratory, Department of Genetics, University Medical Center Groningen
Classification: Uncertain significance. Review status: no assertion criteria provided. Collection method: clinical testing. Allele origin: germline. Affected: yes. Study: VKGL Data-share Consensus. Not counted in ClinVar's aggregate classification.

Joint Genome Diagnostic Labs from Nijmegen and Maastricht, Radboudumc and MUMC+
Classification: Uncertain significance. Review status: no assertion criteria provided. Collection method: clinical testing. Allele origin: germline. Affected: yes. Study: VKGL Data-share Consensus. Not counted in ClinVar's aggregate classification.

MAGI's Lab - Research, MAGI Group
Classification: Uncertain significance for Infertility disorder. Review status: no assertion criteria provided. Collection method: provider interpretation. Allele origin: germline. Affected: yes. Not counted in ClinVar's aggregate classification.

Literature cited by the submitters: PubMed 12167682 (cited by 3 submitters); PubMed 7691344 (cited by Women's Health and Genetics/Laboratory Corporation of America, LabCorp and Counsyl); PubMed 15858154 (cited by 3 submitters); PubMed 16134171 (cited by 3 submitters); PubMed 21184098 (cited by 3 submitters); PubMed 21520337 (cited by 3 submitters); PubMed 16193325 (cited by Women's Health and Genetics/Laboratory Corporation of America, LabCorp); PubMed 11025834 (cited by Women's Health and Genetics/Laboratory Corporation of America, LabCorp); PubMed 11938439 (cited by Women's Health and Genetics/Laboratory Corporation of America, LabCorp); PubMed 21499205 (cited by Women's Health and Genetics/Laboratory Corporation of America, LabCorp); PubMed 23951356 (cited by 5 submitters); PubMed 24451227 (cited by 3 submitters); PubMed 24586523 (cited by 5 submitters); PubMed 25824995 (cited by Women's Health and Genetics/Laboratory Corporation of America, LabCorp); PubMed 25963003 (cited by Women's Health and Genetics/Laboratory Corporation of America, LabCorp and Quest Diagnostics Nichols Institute San Juan Capistrano); PubMed 18195584 (cited by Women's Health and Genetics/Laboratory Corporation of America, LabCorp and Counsyl); PubMed 28544683 (cited by 4 submitters); PubMed 29805046 (cited by 6 submitters); PubMed 25033378 (cited by 5 submitters); PubMed 29589582 (cited by 4 submitters); PubMed 31088717 (cited by 3 submitters); PubMed 32784480 (cited by Women's Health and Genetics/Laboratory Corporation of America, LabCorp and Quest Diagnostics Nichols Institute San Juan Capistrano); PubMed 33946859 (cited by Women's Health and Genetics/Laboratory Corporation of America, LabCorp and Quest Diagnostics Nichols Institute San Juan Capistrano); PubMed 33768849 (cited by 4 submitters); PubMed 38388235 (cited by 3 submitters); PubMed 38871151 (cited by Women's Health and Genetics/Laboratory Corporation of America, LabCorp); PubMed 26898888 (cited by Quest Diagnostics Nichols Institute San Juan Capistrano and Counsyl); PubMed 22271776 (cited by Quest Diagnostics Nichols Institute San Juan Capistrano and Counsyl); PubMed 34996830 (cited by Quest Diagnostics Nichols Institute San Juan Capistrano); PubMed 34782259 (cited by Quest Diagnostics Nichols Institute San Juan Capistrano); PubMed 34426522 (cited by Quest Diagnostics Nichols Institute San Juan Capistrano); PubMed 10970190 (cited by Quest Diagnostics Nichols Institute San Juan Capistrano and Sema4); PubMed 27214204 (cited by Quest Diagnostics Nichols Institute San Juan Capistrano); PubMed 25346962 (cited by Quest Diagnostics Nichols Institute San Juan Capistrano); PubMed 20837875 (cited by Quest Diagnostics Nichols Institute San Juan Capistrano); PubMed 28603918 (cited by Sema4); PubMed 7525963 (cited by Counsyl).